The following is an entry in ClinVar:

ClinVar aggregate classification (germline): Benign (0 of 4 stars; one submission).

Conditions:
LRIG1-related disorder. Also called: LRIG1-related condition.

Allele frequency attached by ClinVar (database versions not stated): 1000 Genomes Project 0.11062; 1000 Genomes Project 30x 0.11883; TOPMed 0.11963; ESP Exome Variant Server 0.12117.
gnomAD v4.1: 41,565 of 1,613,588 alleles (2.6%); highest among the groups gnomAD compares: African/African-American, 35%; 4,945 homozygotes.

Submission:

PreventionGenetics, part of Exact Sciences
Classification: Benign for LRIG1-related condition. Last evaluated: 2019-11-14. Review status: no assertion criteria provided. Collection method: clinical testing. Allele origin: germline.
Comment: This variant is classified as benign based on ACMG/AMP sequence variant interpretation guidelines (Richards et al. 2015 PMID: 25741868, with internal and published modifications).

NM_015541.3(LRIG1):c.2776G>A (p.Gly926Ser)

Gene: LRIG1 (leucine rich repeats and immunoglobulin like domains 1; minus strand). Cytogenetic location: 3p14.1.
Variant type: single nucleotide variant.
Coding change: c.2776G>A on transcript NM_015541.3 (MANE Select); coding-DNA position 2776, G replaced by A.
Protein change: p.Gly926Ser; replaces glycine 926 with serine.
Molecular consequence: missense variant.
Genome position (GRCh38, 1-based): chr3:66,380,856, C>T on the plus strand (G>A on the coding strand, the complement: LRIG1 is on the minus strand). VCF-style: chr3-66380856-C-T. GRCh37 (hg19) VCF-style: chr3-66431280-C-T.
Other names: c.2701G>A, p.Gly901Ser (NM_001377344.1); c.1996G>A, p.Gly666Ser (NM_001377345.1, NM_001377346.1); c.1774G>A, p.Gly592Ser (NM_001377347.1); c.1747G>A, p.Gly583Ser (NM_001377348.1); c.1492G>A, p.Gly498Ser (NM_001377349.1); short protein forms G498S, G583S, G592S, G666S, G901S, G926S.
Identifiers: ClinVar variation 3056013 (VCV003056013.2), dbSNP rs9877201, ClinGen allele CA2484161.